The following is an entry in ClinVar:

ClinVar aggregate classification (germline): Uncertain significance (1 of 4 stars; one submission).

Allele frequency attached by ClinVar (database versions not stated): gnomAD exomes below 0.00001.

Submission:

GeneDx
Classification: Uncertain significance. Last evaluated: 2022-12-22. Review status: criteria provided, single submitter. Criteria: GeneDx Variant Classification Process June 2021. Collection method: clinical testing. Allele origin: germline. Affected: yes.
Comment: Not observed at significant frequency in large population cohorts (gnomAD); In silico analysis supports that this missense variant does not alter protein structure/function; Has not been previously published as pathogenic or benign to our knowledge

NM_001242896.3(DEPDC5):c.2542G>C (p.Glu848Gln)

Gene: DEPDC5 (DEP domain containing 5, GATOR1 subcomplex subunit; plus strand). Cytogenetic location: 22q12.3.
Variant type: single nucleotide variant.
Coding change: c.2542G>C on transcript NM_001242896.3 (MANE Select); coding-DNA position 2542, G replaced by C.
Protein change: p.Glu848Gln; replaces glutamic acid 848 with glutamine.
Molecular consequence: missense variant. On other transcripts: non-coding transcript variant (5).
Genome position (GRCh38, 1-based): chr22:31,843,121, G>C. VCF-style: chr22-31843121-G-C. GRCh37 (hg19) VCF-style: chr22-32239107-G-C.
Other names: c.2515G>C, p.Glu839Gln (NM_001136029.4, NM_001369903.1, NM_014662.6); c.2308G>C, p.Glu770Gln (NM_001242897.2, NM_001363854.2, NM_001364319.2); c.2542G>C, p.Glu848Gln (NM_001363852.2, NM_001364318.2, NM_001364320.2); c.2458G>C, p.Glu820Gln (NM_001369901.1, NM_001369902.1); short protein forms E770Q, E820Q, E839Q, E848Q.
Identifiers: ClinVar variation 2506721 (VCV002506721.1), dbSNP rs2520087350, ClinGen allele CA411288352.
Genomic context (GRCh38, chr22:31,843,121, plus strand): 5'-AAACAGATGGAGGAAATTATTATTTTTCTGTTAGGCCTTGTGTCCCGAAACCGCCCTGAG[G>C]AGGAGGACCAGTATTGGCTGAGTATGGGCAGAACGTTCCACAAAGTGACGCTGAAGGATA-3'
Protein context (NP_001229825.1, residues 838-858): RGLVSRNRPE[Glu848Gln]EDQYWLSMGR